The following is an entry in ClinVar:

NM_170606.3(KMT2C):c.9269A>G (p.Asp3090Gly)

Gene: KMT2C (lysine methyltransferase 2C; minus strand). Cytogenetic location: 7q36.1.
Variant type: single nucleotide variant.
Coding change: c.9269A>G on transcript NM_170606.3 (MANE Select); coding-DNA position 9269, A replaced by G.
Protein change: p.Asp3090Gly; replaces aspartic acid 3090 with glycine.
Molecular consequence: missense variant.
Genome position (GRCh38, 1-based): chr7:152,174,236, T>C on the plus strand (A>G on the coding strand, the complement: KMT2C is on the minus strand). VCF-style: chr7-152174236-T-C. GRCh37 (hg19) VCF-style: chr7-151871321-T-C.
Other names: short protein forms D3090G.
Identifiers: ClinVar variation 3764139 (VCV003764139.1).
Genomic context (GRCh38, chr7:152,174,236, plus strand): 5'-ACTTTATTTATACCTTTAAGGGCCACCATTTTGGCTTTCATTATAGGATCTGTAATTGCA[T>C]CAAAATCTAGAAAAGAAATATAAAGTTACTTATTTCATAGTAATTAGTTCAACGTACACT-3'
Protein context (NP_733751.2, residues 3080-3100): SEPFFPNIDF[Asp3090Gly]AITDPIMKAK

ClinVar aggregate classification (germline): Uncertain significance (1 of 4 stars; one submission).

Submission:

GeneDx
Classification: Uncertain significance. Last evaluated: 2024-08-23. Review status: criteria provided, single submitter. Criteria: GeneDx Variant Classification Process June 2021. Collection method: clinical testing. Allele origin: germline. Affected: yes.
Comment: Not observed at significant frequency in large population cohorts (gnomAD); In silico analysis supports that this missense variant has a deleterious effect on protein structure/function; Has not been previously published as pathogenic or benign to our knowledge